The following continues an entry in ClinVar:

NM_000350.3(ABCA4):c.5603A>T (p.Asn1868Ile)

Gene: ABCA4. ClinVar aggregate classification (germline): Conflicting classifications of pathogenicity. Pathogenic (1); Likely pathogenic (2); Established risk allele (2); Uncertain significance (10); Benign (3); Likely benign (2).

Submissions 13 to 23 of 23:

Institute of Medical Molecular Genetics, University of Zurich
Classification: Likely pathogenic for Severe early-childhood-onset retinal dystrophy. Last evaluated: 2021-01-30. Review status: criteria provided, single submitter. Criteria: ACMG Guidelines, 2015. Collection method: clinical testing. Allele origin: germline. Affected: yes.

Centre for Mendelian Genomics, University Medical Centre Ljubljana
Classification: Uncertain significance for Age related macular degeneration 2. Last evaluated: 2019-06-27. Review status: criteria provided, single submitter. Criteria: ACMG Guidelines, 2015. Collection method: clinical testing. Allele origin: unknown. Affected: yes.
Comment: This variant was classified as: Uncertain significance. The available evidence favors the pathogenic nature of this variant, however the currently available data is insufficient to conclusively support its pathogenic nature. Thus this variant is classified as Uncertain significance - favor pathogenic. The following ACMG criteria were applied in classifying this variant: PP2,PP3,BS1.

Mendelics
Classification: Uncertain significance for Severe early-childhood-onset retinal dystrophy. Last evaluated: 2019-05-28. Review status: criteria provided, single submitter. Criteria: Mendelics Assertion Criteria 2017. Collection method: clinical testing. Allele origin: unknown.

GeneDx
Classification: Benign. Last evaluated: 2019-01-28. Review status: criteria provided, single submitter. Criteria: GeneDx Variant Classification Process June 2021. Collection method: clinical testing. Allele origin: germline. Affected: yes.
Comment: The variant is observed in 8,580/129,074 (6.65%) alleles from individuals of non-Finnish European background and in 11,928/282,712 (4.22%) global alleles, including 364 homozygous individuals, in large population cohorts (Lek et al., 2016). However, some publications theorize N1868I may cause hypomorphic retinal dystrophy only when in trans with a pathogenic ABCA4 variant (Zernant et al., 2017; Runhart et al., 2018). Individuals who had the N1868I variant in trans with another ABCA4 pathogenic variant were reported to have late-onset Stargardt disease (Zernant et al., 2017; Runhart et al,. 2018).; This variant is associated with the following publications: (PMID: 26780318, 21330655, 32845050, 28118664, 11328725, 28446513, 27775217, 24265693, 11017087, 29555955, 29971439, 23443024, 30204727, 30480703, 30480704, 29925512, 30670881, 30643219, 31618761, 31456290, 32467599, 32037395)

Institute of Human Genetics, University of Leipzig Medical Center
Classification: Uncertain significance for Cone-rod dystrophy 3. Last evaluated: 2019-01-01. Review status: criteria provided, single submitter. Criteria: ACMG Guidelines, 2015. Collection method: clinical testing. Allele origin: unknown. Affected: yes.
Comment: This variant was identified as compound heterozygous.

CeGaT Center for Human Genetics Tuebingen
Classification: Uncertain significance. Last evaluated: 2018-08-01. Review status: criteria provided, single submitter. Criteria: CeGaT Center For Human Genetics Tuebingen Variant Classification Criteria Version 2. Collection method: clinical testing. Allele origin: germline. Affected: yes. Observed: 6 variant alleles.

Illumina Laboratory Services, Illumina
Classification: Likely benign for ABCA4-Related Disorders. Last evaluated: 2017-04-27. Review status: criteria provided, single submitter. Criteria: ICSL Variant Classification Criteria 13 December 2019. Collection method: clinical testing. Allele origin: germline.
Comment: This variant was observed as part of a predisposition screen in an ostensibly healthy population. A literature search was performed for the gene, cDNA change, and amino acid change (where applicable). No publications were found based on this search. Allele frequency data from public databases allowed determination this variant is unlikely to cause disease. Therefore, this variant is classified as likely benign.

Eurofins Ntd Llc (ga)
Classification: Benign. Last evaluated: 2014-05-20. Review status: criteria provided, single submitter. Criteria: EGL Classification Definitions 2015. Collection method: clinical testing. Allele origin: germline. Observed: 1 variant allele, 1 homozygote.

Sharon lab, Hadassah-Hebrew University Medical Center
Classification: Likely pathogenic for Stargardt disease. Last evaluated: 2019-06-23. Review status: no assertion criteria provided. Collection method: research. Allele origin: inherited. Affected: yes. Not counted in ClinVar's aggregate classification.

Molecular Vision Laboratory
Classification: other for Severe early-childhood-onset retinal dystrophy. Last evaluated: 2018-09-10. Review status: no assertion criteria provided. Collection method: clinical testing. Allele origin: germline. Affected: yes. Not counted in ClinVar's aggregate classification.
Comment: Asn1868Ile has been found to be associated with autosomal recessive Stargardt disease (STGD1). Its presence explained >40% of monoallelic ABCA4 carriers in two separate STGD1 cohorts. Penetrance was estimated to be less than 5% based on expected incidence of Asn1868Ile combinations with severe ABCA4 mutations and estimated prevalence of cases due to these combinations in a STGD1 cohort.

Retina International
No classification provided. Review status: no classification provided. Collection method: not provided. Allele origin: unknown. Not counted in ClinVar's aggregate classification.

Literature cited by the submitters: PubMed 11017087 (cited by 3 submitters); PubMed 33375396 (cited by Women's Health and Genetics/Laboratory Corporation of America, LabCorp and Institute of Human Genetics, Univ. Regensburg, Univ. Regensburg); PubMed 11328725 (cited by 3 submitters); PubMed 28446513 (cited by 4 submitters); PubMed 21330655 (cited by Institute of Human Genetics, Univ. Regensburg, Univ. Regensburg and Broad Center for Mendelian Genomics, Broad Institute of MIT and Harvard); PubMed 24265693 (cited by Institute of Human Genetics, Univ. Regensburg, Univ. Regensburg and Broad Center for Mendelian Genomics, Broad Institute of MIT and Harvard); PubMed 26780318 (cited by Institute of Human Genetics, Univ. Regensburg, Univ. Regensburg); PubMed 27775217 (cited by Institute of Human Genetics, Univ. Regensburg, Univ. Regensburg); PubMed 30480703 (cited by Institute of Human Genetics, Univ. Regensburg, Univ. Regensburg and Broad Center for Mendelian Genomics, Broad Institute of MIT and Harvard); PubMed 29555955 (cited by Institute of Human Genetics, Univ. Regensburg, Univ. Regensburg and Broad Center for Mendelian Genomics, Broad Institute of MIT and Harvard); PubMed 30204727 (cited by Institute of Human Genetics, Univ. Regensburg, Univ. Regensburg); PubMed 30480704 (cited by Institute of Human Genetics, Univ. Regensburg, Univ. Regensburg); PubMed 29971439 (cited by 3 submitters); PubMed 30670881 (cited by Institute of Human Genetics, Univ. Regensburg, Univ. Regensburg); PubMed 29925512 (cited by Institute of Human Genetics, Univ. Regensburg, Univ. Regensburg); PubMed 31618761 (cited by Institute of Human Genetics, Univ. Regensburg, Univ. Regensburg); PubMed 30643219 (cited by Institute of Human Genetics, Univ. Regensburg, Univ. Regensburg); PubMed 32845050 (cited by Institute of Human Genetics, Univ. Regensburg, Univ. Regensburg); PubMed 32619608 (cited by Institute of Human Genetics, Univ. Regensburg, Univ. Regensburg); PubMed 32467599 (cited by Institute of Human Genetics, Univ. Regensburg, Univ. Regensburg); PubMed 31964843 (cited by Institute of Human Genetics, Univ. Regensburg, Univ. Regensburg); PubMed 31429209 (cited by Institute of Human Genetics, Univ. Regensburg, Univ. Regensburg); PubMed 32307445 (cited by Institute of Human Genetics, Univ. Regensburg, Univ. Regensburg); PubMed 32815999 (cited by Institute of Human Genetics, Univ. Regensburg, Univ. Regensburg); PubMed 31456290 (cited by Institute of Human Genetics, Univ. Regensburg, Univ. Regensburg); PubMed 32531858 (cited by Institute of Human Genetics, Univ. Regensburg, Univ. Regensburg); PubMed 32037395 (cited by Institute of Human Genetics, Univ. Regensburg, Univ. Regensburg); PubMed 33706644 (cited by Institute of Human Genetics, Univ. Regensburg, Univ. Regensburg); PubMed 34795310 (cited by Institute of Human Genetics, Univ. Regensburg, Univ. Regensburg); PubMed 34946930 (cited by Institute of Human Genetics, Univ. Regensburg, Univ. Regensburg); PubMed 34198153 (cited by Institute of Human Genetics, Univ. Regensburg, Univ. Regensburg); PubMed 34240658 (cited by Institute of Human Genetics, Univ. Regensburg, Univ. Regensburg); PubMed 33851411 (cited by Institute of Human Genetics, Univ. Regensburg, Univ. Regensburg); PubMed 36338671 (cited by Institute of Human Genetics, Univ. Regensburg, Univ. Regensburg); PubMed 35243166 (cited by Institute of Human Genetics, Univ. Regensburg, Univ. Regensburg); PubMed 35119454 (cited by Institute of Human Genetics, Univ. Regensburg, Univ. Regensburg); PubMed 35260635 (cited by Institute of Human Genetics, Univ. Regensburg, Univ. Regensburg); PubMed 35656873 (cited by Institute of Human Genetics, Univ. Regensburg, Univ. Regensburg); PubMed 36460718 (cited by Institute of Human Genetics, Univ. Regensburg, Univ. Regensburg); PubMed 35836572 (cited by Institute of Human Genetics, Univ. Regensburg, Univ. Regensburg); PubMed 35076026 (cited by Institute of Human Genetics, Univ. Regensburg, Univ. Regensburg); PubMed 35657619 (cited by Institute of Human Genetics, Univ. Regensburg, Univ. Regensburg); PubMed 36672815 (cited by Institute of Human Genetics, Univ. Regensburg, Univ. Regensburg); PubMed 36819107 (cited by Institute of Human Genetics, Univ. Regensburg, Univ. Regensburg); PubMed 34906470 (cited by Broad Center for Mendelian Genomics, Broad Institute of MIT and Harvard); PubMed 28118664 (cited by Broad Center for Mendelian Genomics, Broad Institute of MIT and Harvard and Molecular Vision Laboratory).